The following is an entry in ClinVar:

NM_000444.6(PHEX):c.2159C>A (p.Ala720Glu)

Genes: PHEX (phosphate regulating endopeptidase X-linked; plus strand), PTCHD1-AS (PTCHD1 and PHEX antisense RNA; minus strand). Cytogenetic location: Xp22.11.
Variant type: single nucleotide variant.
Coding change: c.2159C>A on transcript NM_000444.6 (MANE Select); coding-DNA position 2159, C replaced by A.
Protein change: p.Ala720Glu; replaces alanine 720 with glutamic acid.
Molecular consequence: missense variant. On other transcripts: nonsense (1).
Genome position (GRCh38, 1-based): chrX:22,247,862, C>A. VCF-style: chrX-22247862-C-A. GRCh37 (hg19) VCF-style: chrX-22265979-C-A.
Other names: c.2082C>A, p.Cys694Ter (NM_001282754.2); short protein forms A720E, C694*.
Identifiers: ClinVar variation 372464 (VCV000372464.4), dbSNP rs1057517798, ClinGen allele CA16043249.
Genomic context (GRCh38, chrX:22,247,862, plus strand): 5'-TTGATGTGCAAGAATTATATGACATATGCTTTGACATATCGTTTTTCAGGGTCAATGGTG[C>A]AATTAGTAACTTTGAAGAATTCCAGAAAGCTTTTAACTGTCCACCCAATTCCACGATGAA-3'
Protein context (NP_000435.3, residues 710-730): HSPPQFRVNG[Ala720Glu]ISNFEEFQKA

ClinVar aggregate classification (germline): Likely pathogenic. Review status: criteria provided, multiple submitters, no conflicts (2 of 4 stars). 2 submissions from 2 submitters: Likely pathogenic (2). Last evaluated 2017-01-06.

Conditions:
Familial X-linked hypophosphatemic vitamin D refractory rickets (XLHRD). Also called: Hypophosphatemic Rickets, X-Linked Dominant; HYPOPHOSPHATEMIC VITAMIN D-RESISTANT RICKETS; Hypophosphatemia, vitamin D-resistant rickets; Vitamin D-resistant rickets, X-linked; X-Linked Hypophosphatemia. Identifiers: Orphanet 89936, MedGen C0733682, MONDO:0010619, OMIM 307800.

Submissions (2):

GeneDx
Classification: Likely pathogenic. Last evaluated: 2017-01-06. Review status: criteria provided, single submitter. Criteria: GeneDx Variant Classification (06012015). Collection method: clinical testing. Allele origin: germline. Affected: yes.
Comment: The A720E variant was not observed in approximately 6,500 individuals of European and AfricanAmerican ancestry in the NHLBI Exome Sequencing Project, indicating it is not a common benignvariant in these populations. The A720E variant is a non-conservative amino acid substitution, whichis likely to impact secondary protein structure as these residues differ in polarity, charge, size and/orother properties. This substitution occurs at a position that is conserved across species and in silicoanalysis predicts this variant is probably damaging to the protein structure/function. The A720Evariant has not been published as a pathogenic variant, nor has it been reported as a benign variant toour knowledge and is not located within a functional or structural domain of the protein. Therefore,this variant is likely pathogenic; however, the possibility that it is benign cannot be excluded

Kasturba Medical College, Manipal, Kasturba Medical College, Manipal, Manipal Academy of Higher Education, Manipal, India
Classification: Likely pathogenic for Familial X-linked hypophosphatemic vitamin D refractory rickets. Review status: criteria provided, single submitter. Criteria: ACMG Guidelines, 2015. Collection method: research. Allele origin: paternal. Inheritance: X-linked dominant inheritance. Affected: yes. Observed: 1 heterozygote.
Comment: The variant is absent in gnomAD (v4.1.0) and our in-house database of 3447 exomes. Another nucleotide change at the same amino acid position, c.2158G>T p.Ala720Ser and c.2158G>A p.Ala720Thr has been reported in association with hypophosphatemic rickets (Goljanek-Whysall et al., 2017; Sabbagh et al., 2003; Dixon et al., 1998).

Literature cited by the submitters: PubMed 28982589 (cited by Kasturba Medical College, Manipal, Kasturba Medical College, Manipal, Manipal Academy of Higher Education, Manipal, India); PubMed 12727977 (cited by Kasturba Medical College, Manipal, Kasturba Medical College, Manipal, Manipal Academy of Higher Education, Manipal, India); PubMed 9768674 (cited by Kasturba Medical College, Manipal, Kasturba Medical College, Manipal, Manipal Academy of Higher Education, Manipal, India).